The following is an entry in ClinVar:

NM_001184.4(ATR):c.3112dup (p.Ser1038fs)

Gene: ATR (ATR checkpoint kinase; minus strand). Cytogenetic location: 3q23.
Variant type: Duplication.
Coding change: c.3112dup on transcript NM_001184.4 (MANE Select); coding-DNA position 3112, one base duplicated (T; older notation c.3112dupT).
Protein change: p.Ser1038fs; shifts the reading frame from serine 1038.
Molecular consequence: frameshift variant.
Genome position (GRCh38, 1-based): chr3:142,549,538, A duplicated on the plus strand (T on the coding strand, the reverse complement: ATR is on the minus strand); the first of 6 consecutive A bases (chr3:142,549,538-142,549,543); duplicating any one gives the same sequence. VCF-style (leftmost placement, unchanged base first): chr3-142549537-G-GA. GRCh37 (hg19) VCF-style: chr3-142268379-G-GA.
Other names: c.2920dup, p.Ser974fs (NM_001354579.2); short protein forms S974fs, S1038fs.
Identifiers: ClinVar variation 2742253 (VCV002742253.3), dbSNP rs1559984993, ClinGen allele CA546893991.

ClinVar aggregate classification (germline): Pathogenic (1 of 4 stars; one submission).

Submission:

Labcorp Genetics (formerly Invitae), Labcorp
Classification: Pathogenic. Last evaluated: 2024-02-20. Review status: criteria provided, single submitter. Criteria: Invitae Variant Classification Sherloc (09022015). Collection method: clinical testing. Allele origin: germline.
Comment: This sequence change creates a premature translational stop signal (p.Ser1038Phefs*11) in the ATR gene. It is expected to result in an absent or disrupted protein product. Loss-of-function variants in ATR are known to be pathogenic (PMID: 21228398, 23144622). This variant is present in population databases (no rsID available, gnomAD 0.0009%). This variant has not been reported in the literature in individuals affected with ATR-related conditions. For these reasons, this variant has been classified as Pathogenic.

Literature cited by the submitters: PubMed 21228398; PubMed 23144622.